The following is an entry in ClinVar:

ClinVar aggregate classification (germline): Uncertain significance (1 of 4 stars; one submission).

Conditions:
Familial temporal lobe epilepsy 7. Identifiers: Orphanet 101046, MedGen C4225327, MONDO:0014639, OMIM 616436.
Norman-Roberts syndrome (LIS2). Also called: Lissencephaly 2 (Norman-Roberts type). Identifiers: Orphanet 89844, MedGen C0796089, MONDO:0009760, OMIM 257320.

Submission:

Labcorp Genetics (formerly Invitae), Labcorp
Classification: Uncertain significance for Familial temporal lobe epilepsy 7; Norman-Roberts syndrome. Last evaluated: 2022-03-01. Review status: criteria provided, single submitter. Criteria: Invitae Variant Classification Sherloc (09022015). Collection method: clinical testing. Allele origin: germline.
Comment: This sequence change affects codon 2556 of the RELN mRNA. It is a 'silent' change, meaning that it does not change the encoded amino acid sequence of the RELN protein. This variant also falls at the last nucleotide of exon 48, which is part of the consensus splice site for this exon. In summary, the available evidence is currently insufficient to determine the role of this variant in disease. Therefore, it has been classified as a Variant of Uncertain Significance. Variants that disrupt the consensus splice site are a relatively common cause of aberrant splicing (PMID: 17576681, 9536098). Algorithms developed to predict the effect of sequence changes on RNA splicing suggest that this variant is not likely to affect RNA splicing. This variant has not been reported in the literature in individuals affected with RELN-related conditions. This variant is not present in population databases (gnomAD no frequency).

Literature cited by the submitters: PubMed 17576681; PubMed 9536098.

NM_005045.4(RELN):c.7668G>A (p.Gly2556=)

Gene: RELN (reelin; minus strand). Cytogenetic location: 7q22.1.
Variant type: single nucleotide variant.
Coding change: c.7668G>A on transcript NM_005045.4 (MANE Select); coding-DNA position 7668, G replaced by A.
Protein change: p.Gly2556=; no amino-acid change (glycine 2556 retained).
Molecular consequence: synonymous variant.
Genome position (GRCh38, 1-based): chr7:103,522,022, C>T on the plus strand (G>A on the coding strand, the complement: RELN is on the minus strand). VCF-style: chr7-103522022-C-T. GRCh37 (hg19) VCF-style: chr7-103162469-C-T.
Other names: c.7668G>A, p.Gly2556= (NM_173054.3).
Identifiers: ClinVar variation 2104973 (VCV002104973.4), dbSNP rs1554369642, ClinGen allele CA457030225.